The following is an entry in ClinVar:

ClinVar aggregate classification (germline): Likely benign (1 of 4 stars; one submission).

Allele frequency attached by ClinVar (database versions not stated): ESP Exome Variant Server 0.00017; 1000 Genomes Project 0.00020; gnomAD 0.00021; ExAC 0.00027; TOPMed 0.00027; gnomAD exomes 0.00037; 1000 Genomes Project 30x 0.00047.
gnomAD v4.1: 569 of 1,613,664 alleles (0.035%); highest among the groups gnomAD compares: Admixed American, 0.057%; no homozygotes.

Submission:

CeGaT Center for Human Genetics Tuebingen
Classification: Likely benign. Last evaluated: 2022-09-01. Review status: criteria provided, single submitter. Criteria: CeGaT Center For Human Genetics Tuebingen Variant Classification Criteria Version 2. Collection method: clinical testing. Allele origin: germline. Affected: yes. Observed: 1 variant allele.
Comment: MROH2B: BP4, BP7

NM_173489.5(MROH2B):c.1633T>C (p.Leu545=)

Gene: MROH2B (maestro heat like repeat family member 2B; minus strand). Cytogenetic location: 5p13.1.
Variant type: single nucleotide variant.
Coding change: c.1633T>C on transcript NM_173489.5 (MANE Select); coding-DNA position 1633, T replaced by C.
Protein change: p.Leu545=; no amino-acid change (leucine 545 retained).
Molecular consequence: synonymous variant.
Genome position (GRCh38, 1-based): chr5:41,048,375, A>G on the plus strand (T>C on the coding strand, the complement: MROH2B is on the minus strand). VCF-style: chr5-41048375-A-G. GRCh37 (hg19) VCF-style: chr5-41048477-A-G.
Identifiers: ClinVar variation 2655448 (VCV002655448.24), dbSNP rs199537835, ClinGen allele CA3251470.